The following is an entry in ClinVar:

ClinVar aggregate classification (germline): Uncertain significance (1 of 4 stars; one submission).

gnomAD v4.1: 1 of 1,613,854 alleles (0.000062%); highest among the groups gnomAD compares: Non-Finnish European, 0.000085%; no homozygotes.

Submission:

GeneDx
Classification: Uncertain significance. Last evaluated: 2019-07-30. Review status: criteria provided, single submitter. Criteria: GeneDx Variant Classification Process June 2021. Collection method: clinical testing. Allele origin: germline. Affected: yes.
Comment: Not observed in large population cohorts (Lek et al., 2016); In silico analysis, which includes protein predictors and evolutionary conservation, supports a deleterious effect; Has not been previously published as pathogenic or benign to our knowledge

NM_001365088.1(SLC12A6):c.103C>T (p.Leu35Phe)

Gene: SLC12A6 (solute carrier family 12 member 6; minus strand). Cytogenetic location: 15q14.
Variant type: single nucleotide variant.
Coding change: c.103C>T on transcript NM_001365088.1 (MANE Select); coding-DNA position 103, C replaced by T.
Protein change: p.Leu35Phe; replaces leucine 35 with phenylalanine.
Molecular consequence: missense variant. On other transcripts: 5 prime UTR variant (2).
Genome position (GRCh38, 1-based): chr15:34,336,578, G>A on the plus strand (C>T on the coding strand, the complement: SLC12A6 is on the minus strand). VCF-style: chr15-34336578-G-A. GRCh37 (hg19) VCF-style: chr15-34628779-G-A.
Other names: c.-75C>T (NM_001042494.2, NM_001042495.2); c.76C>T, p.Leu26Phe (NM_001042496.2); c.103C>T, p.Leu35Phe (NM_001042497.2, NM_133647.2); short protein forms L26F, L35F.
Identifiers: ClinVar variation 1307423 (VCV001307423.2), dbSNP rs1454226326, ClinGen allele CA391621690.
Genomic context (GRCh38, chr15:34,336,578, plus strand): 5'-TTGTTTCAGGCACGCTTTCCCGGGAGCTAAATCTTACTCGGGAACTAGATCGAGAGCTGA[G>A]GTCCGGACTGGTGTCTGACAAACCTGGAATGTCATCGATCTTTGTCGGTGTCACCATGAA-3'
Protein context (NP_001352017.1, residues 25-45): IPGLSDTSPD[Leu35Phe]SSRSSSRVRF